The following is an entry in ClinVar:

NM_001127222.2(CACNA1A):c.51C>T (p.Ser17=)

Gene: CACNA1A (calcium voltage-gated channel subunit alpha1 A; minus strand). Cytogenetic location: 19p13.13.
Variant type: single nucleotide variant.
Coding change: c.51C>T on transcript NM_001127222.2 (MANE Select); coding-DNA position 51, C replaced by T.
Protein change: p.Ser17=; no amino-acid change (serine 17 retained).
Molecular consequence: synonymous variant.
Genome position (GRCh38, 1-based): chr19:13,506,174, G>A on the plus strand (C>T on the coding strand, the complement: CACNA1A is on the minus strand). VCF-style: chr19-13506174-G-A. GRCh37 (hg19) VCF-style: chr19-13616988-G-A.
Other names: c.51C>T, p.Ser17= (NM_000068.4, NM_001127221.2, NM_001174080.2 and 1 more transcripts).
Identifiers: ClinVar variation 4873940 (VCV004873940.2).

ClinVar aggregate classification (germline): Likely benign (1 of 4 stars; one submission).

gnomAD v4.1: 4 of 1,533,216 alleles (0.00026%); highest among the groups gnomAD compares: South Asian, 0.0012%; no homozygotes.

Submission:

CeGaT Center for Human Genetics Tuebingen
Classification: Likely benign. Last evaluated: 2026-06-01. Review status: criteria provided, single submitter. Criteria: CeGaT Center For Human Genetics Tuebingen Variant Classification Criteria Version 2. Collection method: clinical testing. Allele origin: germline. Affected: yes. Observed: 1 variant allele.
Comment: CACNA1A: BP4, BP7